The following is an entry in ClinVar:

ClinVar aggregate classification (germline): Benign/Likely benign. Review status: criteria provided, multiple submitters, no conflicts (2 of 4 stars). 4 submissions from 4 submitters: Benign (3); Likely benign (1). Last evaluated 2024-11-28.

Allele frequency attached by ClinVar (database versions not stated): 1000 Genomes Project 30x 0.24219; 1000 Genomes Project 0.24381; TOPMed 0.25265; gnomAD 0.26163 and 0.26194; gnomAD exomes 0.26833 and 0.27347; ExAC 0.26945.
gnomAD v4.1: 435,272 of 1,600,552 alleles (27%); highest among the groups gnomAD compares: South Asian, 28%; 59,590 homozygotes.

Submissions (5):

Blueprint Genetics
Classification: Likely benign. Last evaluated: 2024-11-28. Review status: criteria provided, single submitter. Criteria: ACMG Guidelines, 2015. Collection method: clinical testing. Allele origin: germline.

GeneDx
Classification: Benign. Last evaluated: 2018-07-09. Review status: criteria provided, single submitter. Criteria: GeneDx Variant Classification Process June 2021. Collection method: clinical testing. Allele origin: germline. Affected: yes.

Laboratory for Molecular Medicine, Mass General Brigham Personalized Medicine
Classification: Benign. Last evaluated: 2016-03-29. Review status: criteria provided, single submitter. Criteria: LMM Criteria. Collection method: clinical testing. Allele origin: germline.
Comment: Variant identified in a genome or exome case(s) and assessed due to predicted null impact of the variant or pathogenic assertions in the literature or databases. Disclaimer: This variant has not undergone full assessment. The following are preliminary notes: Frequency

Breakthrough Genomics
Classification: Benign. Review status: criteria provided, single submitter. Criteria: ACMG Guidelines, 2015. Collection method: not provided. Allele origin: germline. Inheritance: Autosomal recessive inheritance. Affected: yes.

Dr. Peter K. Rogan Lab, Western University
No classification provided (evidence only). Condition: Familial cancer of breast. Review status: no classification provided. Collection method: in vitro. Allele origin: not applicable. Functional consequence: retained intron. Not counted in ClinVar's aggregate classification.

NM_213607.3(DNAAF19):c.277-63C>A

Gene: DNAAF19 (dynein axonemal assembly factor 19; plus strand). Cytogenetic location: 17q21.31.
Variant type: single nucleotide variant.
Coding change: c.277-63C>A on transcript NM_213607.3 (MANE Select); 63 bases into the intron before coding-DNA position 277, C replaced by A.
Molecular consequence: intron variant.
Genome position (GRCh38, 1-based): chr17:44,902,302, C>A. VCF-style: chr17-44902302-C-A. GRCh37 (hg19) VCF-style: chr17-42979670-C-A.
Other names: c.281-63C>A (NM_001258399.2); c.277-16C>A (NM_001258397.3); c.281-66C>A (NM_001258398.3); c.277-63C>A (NM_001258396.2, NM_001258395.2).
Identifiers: ClinVar variation 402498 (VCV000402498.10), dbSNP rs8079610, ClinGen allele CA8608328.